The following is an entry in ClinVar:

ClinVar aggregate classification (germline): Conflicting classifications of pathogenicity. Review status: criteria provided, conflicting classifications (1 of 4 stars). 3 submissions from 3 submitters: Pathogenic (1); Uncertain significance (2). Last evaluated 2022-01-01.

Conditions:
Contractures, pterygia, and variable skeletal fusions syndrome 1B. Also called: CONTRACTURES, PTERYGIA, AND SPONDYLOCARPOTARSAL FUSION SYNDROME 1B. Identifiers: MedGen C5193114, MONDO:0020746, OMIM 618469.
Contractures, pterygia, and spondylocarpotarsal fusion syndrome 1A (CPSFS1A). Also called: Contractures, pterygia, and variable skeletal fusions syndrome 1A; MULTIPLE PTERYGIUM SYNDROME, AUTOSOMAL DOMINANT; Distal arthrogryposis type 8. Identifiers: Orphanet 65743, MedGen C1867440, MONDO:0008338, OMIM 178110.
Spondylocarpotarsal synostosis syndrome (SCT). Also called: Spondylocarpotarsal Synostosis Syndrome (FLNB-SCT); SPONDYLOCARPOTARSAL SYNDROME; VERTEBRAL FUSION WITH CARPAL COALITION; Synspondylism congenital; Scoliosis, congenital with unilateral unsegmented bar. Identifiers: Orphanet 3275, MedGen C1848934, MONDO:0010094, OMIM 272460.

Submissions (3):

Provincial Medical Genetics Program of British Columbia, University of British Columbia
Classification: Uncertain significance for Contractures, pterygia, and variable skeletal fusions syndrome 1B. Last evaluated: 2022-01-01. Review status: criteria provided, single submitter. Criteria: ACMG Guidelines, 2015. Collection method: clinical testing. Allele origin: maternal. Affected: yes.

GeneDx
Classification: Uncertain significance. Last evaluated: 2020-12-03. Review status: criteria provided, single submitter. Criteria: GeneDx Variant Classification Process June 2021. Collection method: clinical testing. Allele origin: germline. Affected: yes.
Comment: Frameshift variant predicted to result in protein truncation or nonsense mediated decay in a gene for which loss-of-function is not a known mechanism of disease; Not observed at a significant frequency in large population cohorts (Lek et al., 2016); This variant is associated with the following publications: (PMID: 29805041)

Clinical Genetics Group, University of Otago
Classification: Pathogenic for Spondylocarpotarsal synostosis syndrome; Contractures, pterygia, and spondylocarpotarsal fusion syndrome 1A. Last evaluated: 2018-04-09. Review status: criteria provided, single submitter. Criteria: Cameron-Christie et al. (Am J Hum Genet. 2018). Collection method: clinical testing. Allele origin: unknown. Inheritance: Autosomal unknown. Affected: yes. Observed: 1 heterozygote.

NM_002470.4(MYH3):c.1986_1990del (p.Asn662fs)

Gene: MYH3 (myosin heavy chain 3; minus strand). Cytogenetic location: 17p13.1.
Variant type: Deletion.
Coding change: c.1986_1990del on transcript NM_002470.4 (MANE Select); coding-DNA positions 1986 to 1990, 5 bases deleted (TTTAA; older notation c.1986_1990delTTTAA).
Protein change: p.Asn662fs; shifts the reading frame from asparagine 662.
Molecular consequence: frameshift variant.
Genome position (GRCh38, 1-based): chr17:10,641,342-10,641,346, TTAAA deleted on the plus strand (TTTAA on the coding strand, the reverse complement: MYH3 is on the minus strand); deleting any 5 consecutive bases within chr17:10,641,342-10,641,348 gives the same sequence; the c. name uses the placement nearest the transcript's 3' end. VCF-style (leftmost placement, unchanged base first): chr17-10641341-CTTAAA-C. GRCh37 (hg19) VCF-style: chr17-10544658-CTTAAA-C.
Other names: c.1986_1990delTTTAA (NM_002470.3); short protein forms N662fs.
Identifiers: ClinVar variation 503890 (VCV000503890.4), dbSNP rs771300756, ClinGen allele CA8392868.
Genomic context (GRCh38, chr17:10,641,341, plus strand): 5'-TCACCTGGAGTTTTGGTTTCATTGGGAATTATACAACGCACAAAATGAGGGTGAGTAGTT[CTTAAA>C]TTTGACATCAGCTTGTTCAGGTTTTCCTAAGAGAAAAAAAAAATGACATTTGCCATCCTA-3'